The following is an entry in ClinVar:

ClinVar aggregate classification (germline): Pathogenic (1 of 4 stars; one submission).

Allele frequency attached by ClinVar (database versions not stated): gnomAD exomes below 0.00001.
gnomAD v4.1: 2 of 1,583,532 alleles (0.00013%); highest among the groups gnomAD compares: Non-Finnish European, 0.00017%; no homozygotes.

Submission:

Labcorp Genetics (formerly Invitae), Labcorp
Classification: Pathogenic. Last evaluated: 2023-03-17. Review status: criteria provided, single submitter. Criteria: Invitae Variant Classification Sherloc (09022015). Collection method: clinical testing. Allele origin: germline.
Comment: Algorithms developed to predict the effect of sequence changes on RNA splicing suggest that this variant may disrupt the consensus splice site. ClinVar contains an entry for this variant (Variation ID: 1457980). This premature translational stop signal has been observed in individual(s) with Usher syndrome (PMID: 24498627). This variant is not present in population databases (gnomAD no frequency). This sequence change creates a premature translational stop signal (p.Trp1834*) in the MYO7A gene. It is expected to result in an absent or disrupted protein product. Loss-of-function variants in MYO7A are known to be pathogenic (PMID: 8900236, 25404053). For these reasons, this variant has been classified as Pathogenic.

Literature cited by the submitters: PubMed 24498627; PubMed 8900236; PubMed 25404053.

NM_000260.4(MYO7A):c.5502G>A (p.Trp1834Ter)

Gene: MYO7A (myosin VIIA; plus strand). Cytogenetic location: 11q13.5.
Variant type: single nucleotide variant.
Coding change: c.5502G>A on transcript NM_000260.4 (MANE Select); coding-DNA position 5502, G replaced by A.
Protein change: p.Trp1834Ter; replaces tryptophan 1834 with a stop codon.
Molecular consequence: nonsense.
Genome position (GRCh38, 1-based): chr11:77,205,483, G>A. VCF-style: chr11-77205483-G-A. GRCh37 (hg19) VCF-style: chr11-76916528-G-A.
Other names: c.5388G>A, p.Trp1796Ter (NM_001127180.2); c.5355G>A, p.Trp1785Ter (NM_001369365.1); short protein forms W1834*, W1796*, W1785*.
Identifiers: ClinVar variation 1457980 (VCV001457980.6), dbSNP rs2135732554, ClinGen allele CA381952879.